The following is an entry in ClinVar:

NM_001367479.1(DNAH14):c.5535+156G>A

Gene: DNAH14 (dynein axonemal heavy chain 14; plus strand). Cytogenetic location: 1q42.12.
Variant type: single nucleotide variant.
Coding change: c.5535+156G>A on transcript NM_001367479.1 (MANE Select); 156 bases into the intron after coding-DNA position 5535, G replaced by A.
Molecular consequence: intron variant.
Genome position (GRCh38, 1-based): chr1:225,168,184, G>A. VCF-style: chr1-225168184-G-A. GRCh37 (hg19) VCF-style: chr1-225355886-G-A.
Identifiers: ClinVar variation 4880062 (VCV004880062.1).

ClinVar aggregate classification (germline): Uncertain significance (1 of 4 stars; one submission).

Conditions:
Primary ciliary dyskinesia. Also called: Ciliary dyskinesia. Identifiers: Orphanet 244, MedGen C0008780, MONDO:0016575, HP:0012265.

gnomAD v4.1: 4 of 151,882 alleles (0.0026%); highest among the groups gnomAD compares: Non-Finnish European, 0.0059%; no homozygotes.

Submission:

Department of Human Genetics, Hannover Medical School
Classification: Uncertain significance for Primary Ciliary Dyskinesia. Last evaluated: 2026-04-01. Review status: criteria provided, single submitter. Criteria: ACMG Guidelines, 2015. Collection method: research. Allele origin: germline. Affected: no.
Comment: Classification performed by HerediClassify using the following criteria:['PM2_supporting: Variant occures does not occur as homozygous in gnomAD.', 'PP3_splicing_supporting: Variant is predicted to have a splice effect by SpliceAI with evidence strength supporting.', "PP4_moderate: The PICADAR socre of 10.0 exceeds threshold of 8 achieving 'strong' evidence strength."]